The following is an entry in ClinVar:

ClinVar aggregate classification (germline): Likely benign (1 of 4 stars; one submission).

Allele frequency attached by ClinVar (database versions not stated): gnomAD 0.00001; gnomAD exomes 0.00001; TOPMed 0.00001.
gnomAD v4.1: 3 of 407,082 alleles (0.00074%); highest among the groups gnomAD compares: Non-Finnish European, 0.0014%; no homozygotes.

Submission:

GeneDx
Classification: Likely benign. Last evaluated: 2018-04-11. Review status: criteria provided, single submitter. Criteria: GeneDx Variant Classification (06012015). Collection method: clinical testing. Allele origin: germline. Affected: yes.
Comment: This variant is considered likely benign or benign based on one or more of the following criteria: it is a conservative change, it occurs at a poorly conserved position in the protein, it is predicted to be benign by multiple in silico algorithms, and/or has population frequency not consistent with disease.

NM_015272.5(RPGRIP1L):c.-18C>T

Genes: RPGRIP1L (RPGRIP1 like; minus strand), LOC130059035 (ATAC-STARR-seq lymphoblastoid silent region 7502; plus strand). Cytogenetic location: 16q12.2.
Variant type: single nucleotide variant.
Coding change: c.-18C>T on transcript NM_015272.5 (MANE Select); 18 bases upstream of the start codon, C replaced by T.
Molecular consequence: 5 prime UTR variant.
Genome position (GRCh38, 1-based): chr16:53,703,813, G>A on the plus strand (C>T on the coding strand, the complement: RPGRIP1L is on the minus strand). VCF-style: chr16-53703813-G-A. GRCh37 (hg19) VCF-style: chr16-53737725-G-A.
Other names: c.-18C>T (NM_001127897.4, NM_001308334.3, NM_001328422.2 and 2 more transcripts).
Identifiers: ClinVar variation 681513 (VCV000681513.1), dbSNP rs1039258733, ClinGen allele CA281381506.